The following is an entry in ClinVar:

ClinVar aggregate classification (germline): Uncertain significance (1 of 4 stars; one submission).

Conditions:
Dilated cardiomyopathy 1O (CMD1O). Also called: CARDIOMYOPATHY, DILATED, WITH VENTRICULAR TACHYCARDIA. Identifiers: Orphanet 154, MedGen C1837839, MONDO:0012062, OMIM 608569.

Allele frequency attached by ClinVar (database versions not stated): TOPMed below 0.00001; gnomAD exomes 0.00001; ExAC 0.00002.
gnomAD v4.1: 10 of 1,613,310 alleles (0.00062%); highest among the groups gnomAD compares: Admixed American, 0.015%; no homozygotes.

Submission:

Labcorp Genetics (formerly Invitae), Labcorp
Classification: Uncertain significance for Dilated cardiomyopathy 1O. Last evaluated: 2023-12-15. Review status: criteria provided, single submitter. Criteria: Invitae Variant Classification Sherloc (09022015). Collection method: clinical testing. Allele origin: germline.
Comment: This sequence change replaces histidine, which is basic and polar, with tyrosine, which is neutral and polar, at codon 1383 of the ABCC9 protein (p.His1383Tyr). This variant is present in population databases (rs768084482, gnomAD 0.02%). This variant has not been reported in the literature in individuals affected with ABCC9-related conditions. ClinVar contains an entry for this variant (Variation ID: 2159087). Advanced modeling of protein sequence and biophysical properties (such as structural, functional, and spatial information, amino acid conservation, physicochemical variation, residue mobility, and thermodynamic stability) has been performed at Invitae for this missense variant, however the output from this modeling did not meet the statistical confidence thresholds required to predict the impact of this variant on ABCC9 protein function. In summary, the available evidence is currently insufficient to determine the role of this variant in disease. Therefore, it has been classified as a Variant of Uncertain Significance.

NM_020297.4(ABCC9):c.4147C>T (p.His1383Tyr)

Genes: ABCC9 (ATP binding cassette subfamily C member 9; minus strand), KCNJ8-AS1 (KCNJ8 antisense RNA 1; plus strand). Cytogenetic location: 12p12.1.
Variant type: single nucleotide variant.
Coding change: c.4147C>T on transcript NM_020297.4 (MANE Select); coding-DNA position 4147, C replaced by T.
Protein change: p.His1383Tyr; replaces histidine 1383 with tyrosine.
Molecular consequence: missense variant.
Genome position (GRCh38, 1-based): chr12:21,812,113, G>A on the plus strand (C>T on the coding strand, the complement: ABCC9 is on the minus strand). VCF-style: chr12-21812113-G-A. GRCh37 (hg19) VCF-style: chr12-21965047-G-A.
Other names: c.4147C>T, p.His1383Tyr (NM_001377273.1, NM_005691.4); c.3280C>T, p.His1094Tyr (NM_001377274.1); short protein forms H1094Y, H1383Y.
Identifiers: ClinVar variation 2159087 (VCV002159087.4), dbSNP rs768084482, ClinGen allele CA6480927.